The following is an entry in ClinVar:

ClinVar aggregate classification (germline): Conflicting classifications of pathogenicity. Review status: criteria provided, conflicting classifications (1 of 4 stars). 17 submissions from 17 submitters: Uncertain significance (2); Likely benign (11). 4 of the submissions do not count toward it. Last evaluated 2026-09-01.

Conditions:
TTN-related disorder. Also called: TTN-related disorders; TTN-related condition; TTN-related disease.
Cardiovascular phenotype. Identifiers: MedGen CN230736.
Autosomal recessive limb-girdle muscular dystrophy type 2J (LGMDR10). Also called: Limb-girdle muscular dystrophy, type 2J; MUSCULAR DYSTROPHY, LIMB-GIRDLE, AUTOSOMAL RECESSIVE 10. Identifiers: Orphanet 140922, MedGen C1837342, MONDO:0012127, OMIM 608807.
Dilated cardiomyopathy 1G (CMD1G). Identifiers: Orphanet 154, MedGen C1858763, MONDO:0011400, OMIM 604145.
Limb-girdle muscular dystrophy (LGMD). Also called: Muscular Dystrophies, Limb-Girdle. Identifiers: Orphanet 263, MedGen C0686353, MeSH D049288, MONDO:0016971, HP:0006785.

Allele frequency attached by ClinVar (database versions not stated): gnomAD exomes 0.00018 and 0.00019; ExAC 0.00021; gnomAD 0.00035 and 0.00038; TOPMed 0.00042; ESP Exome Variant Server 0.00067; 1000 Genomes Project 30x 0.00094; 1000 Genomes Project 0.00100.
gnomAD v4.1: 324 of 1,612,714 alleles (0.02%); highest among the groups gnomAD compares: Middle Eastern, 0.17%; 1 homozygote.

Submissions (17):

CeGaT Center for Human Genetics Tuebingen
Classification: Likely benign. Last evaluated: 2026-09-01. Review status: criteria provided, single submitter. Criteria: CeGaT Center For Human Genetics Tuebingen Variant Classification Criteria Version 2. Collection method: clinical testing. Allele origin: germline. Affected: yes. Observed: 2 variant alleles.
Comment: TTN: BP4

Labcorp Genetics (formerly Invitae), Labcorp
Classification: Likely benign for Dilated cardiomyopathy 1G; Autosomal recessive limb-girdle muscular dystrophy type 2J. Last evaluated: 2026-02-04. Review status: criteria provided, single submitter. Criteria: Invitae Variant Classification Sherloc (09022015). Collection method: clinical testing. Allele origin: germline.

Women's Health and Genetics/Laboratory Corporation of America, LabCorp
Classification: Likely benign. Last evaluated: 2025-11-04. Review status: criteria provided, single submitter. Criteria: LabCorp Variant Classification Summary - May 2015. Collection method: clinical testing. Allele origin: germline.
Comment: Variant summary: TTN c.88312G>A (p.Val29438Met) results in a conservative amino acid change located in the A-band region of the encoded protein sequence. Algorithms developed to predict the effect of missense changes on protein structure and function are either unavailable or do not agree on the potential impact of this missense change. The variant allele was found at a frequency of 0.00019 in 248078 control chromosomes, predominantly at a frequency of 0.0011 within the African or African-American subpopulation in the gnomAD database. The observed variant frequency within African or African-American control individuals in the gnomAD database exceeds the estimated maximal expected allele frequency for disease-causing variants in TTN. To our knowledge, no occurrence of c.88312G>A in individuals affected with TTN-related conditions and no experimental evidence demonstrating its impact on protein function have been reported. ClinVar contains an entry for this variant (Variation ID: 203019). Based on the evidence outlined above, the variant was classified as likely benign.

Mayo Clinic Laboratories, Mayo Clinic
Classification: Likely benign. Last evaluated: 2025-09-02. Review status: criteria provided, single submitter. Criteria: ACMG Guidelines, 2015. Collection method: clinical testing. Allele origin: germline. Observed: 1 variant allele.
Comment: BS1, BP4_moderate

PreventionGenetics, part of Exact Sciences
Classification: Likely benign for TTN-related condition. Last evaluated: 2025-06-19. Review status: criteria provided, single submitter. Criteria: ACMG Guidelines, 2015. Collection method: clinical testing. Allele origin: germline.
Comment: This variant is classified as likely benign based on ACMG/AMP sequence variant interpretation guidelines (Richards et al. 2015 PMID: 25741868, with internal and published modifications).

Molecular Diagnostic Laboratory for Inherited Cardiovascular Disease, Montreal Heart Institute
Classification: Likely benign. Last evaluated: 2025-04-09. Review status: criteria provided, single submitter. Criteria: ACMG Guidelines, 2015. Collection method: clinical testing. Allele origin: germline. Affected: no.
Comment: BP1;BP6

ARUP Laboratories, Molecular Genetics and Genomics, ARUP Laboratories
Classification: Uncertain significance. Last evaluated: 2024-09-12. Review status: criteria provided, single submitter. Criteria: ARUP Molecular Germline Variant Investigation Process 2024. Collection method: clinical testing. Allele origin: germline.
Comment: The TTN c.96016G>A; p.Val32006Met variant (rs191786700; ClinVar Variation ID: 203019) is rare in the general population (<0.2% allele frequency in the Genome Aggregation Database) and has not been reported in the medical literature in association with dilated cardiomyopathy (DCM) or other TTN-related disease. The clinical relevance of rare missense variants in this gene, which are identified on average once per individual sequenced in affected populations (Herman 2012), is not well understood. Yet, evidence suggests that the vast majority of such missense variants do not contribute to the clinical outcome of DCM (Begay 2015). Thus, the clinical significance of the p.Val32006Met variant cannot be determined with certainty.

Revvity Omics, Revvity
Classification: Uncertain significance. Last evaluated: 2024-06-18. Review status: criteria provided, single submitter. Criteria: ACMG Guidelines, 2015. Collection method: clinical testing. Allele origin: germline.

GeneDx
Classification: Likely benign. Last evaluated: 2021-06-07. Review status: criteria provided, single submitter. Criteria: GeneDx Variant Classification Process June 2021. Collection method: clinical testing. Allele origin: germline. Affected: yes.
Comment: This variant is associated with the following publications: (PMID: 26582918)

Ambry Genetics
Classification: Likely benign for Cardiovascular phenotype. Last evaluated: 2020-01-31. Review status: criteria provided, single submitter. Criteria: Ambry Variant Classification Scheme 2023. Collection method: clinical testing. Allele origin: germline.

Cambridge Genomics Laboratory, East Genomic Laboratory Hub, NHS Genomic Medicine Service
Classification: Likely benign for Limb-girdle muscular dystrophy. Last evaluated: 2019-09-03. Review status: criteria provided, single submitter. Criteria: ACGS Best Practice Guidelines for Variant Classification in Rare Disease 2020. Collection method: clinical testing. Allele origin: germline. Affected: yes. Observed: 1 variant allele.

Athena Diagnostics
Classification: Likely benign. Last evaluated: 2018-11-14. Review status: criteria provided, single submitter. Criteria: Athena Diagnostics Criteria. Collection method: clinical testing. Allele origin: germline.

Eurofins Ntd Llc (ga)
Classification: Likely benign. Last evaluated: 2016-08-02. Review status: criteria provided, single submitter. Criteria: EGL Classification Definitions 2015. Collection method: clinical testing. Allele origin: germline. Observed: 1 variant allele, 1 heterozygote.

Clinical Genetics, Academic Medical Center
Classification: Likely benign. Review status: no assertion criteria provided. Collection method: clinical testing. Allele origin: germline. Affected: yes. Study: VKGL Data-share Consensus. Not counted in ClinVar's aggregate classification.

Genome Diagnostics Laboratory, University Medical Center Utrecht
Classification: Likely benign. Review status: no assertion criteria provided. Collection method: clinical testing. Allele origin: germline. Affected: yes. Study: VKGL Data-share Consensus. Not counted in ClinVar's aggregate classification.

Joint Genome Diagnostic Labs from Nijmegen and Maastricht, Radboudumc and MUMC+
Classification: Likely benign. Review status: no assertion criteria provided. Collection method: clinical testing. Allele origin: germline. Affected: yes. Study: VKGL Data-share Consensus. Not counted in ClinVar's aggregate classification.

Laboratory of Diagnostic Genome Analysis, Leiden University Medical Center (LUMC)
Classification: Likely benign. Review status: no assertion criteria provided. Collection method: clinical testing. Allele origin: germline. Affected: yes. Study: VKGL Data-share Consensus. Not counted in ClinVar's aggregate classification.

NM_001267550.2(TTN):c.96016G>A (p.Val32006Met)

Genes: TTN (titin; minus strand), TTN-AS1 (TTN antisense RNA 1; plus strand). Cytogenetic location: 2q31.2.
Variant type: single nucleotide variant.
Coding change: c.96016G>A on transcript NM_001267550.2 (MANE Select); coding-DNA position 96016, G replaced by A.
Protein change: p.Val32006Met; replaces valine 32006 with methionine.
Molecular consequence: missense variant.
Genome position (GRCh38, 1-based): chr2:178,544,213, C>T on the plus strand (G>A on the coding strand, the complement: TTN is on the minus strand). VCF-style: chr2-178544213-C-T. GRCh37 (hg19) VCF-style: chr2-179408940-C-T.
Other names: p.V30365M:GTG>ATG; p.Val30365Met; c.91093G>A, p.Val30365Met (NM_001256850.1); c.68821G>A, p.Val22941Met (NM_003319.4); c.88312G>A, p.Val29438Met (NM_133378.4); c.69196G>A, p.Val23066Met (NM_133432.3); c.69397G>A, p.Val23133Met (NM_133437.4); short protein forms V30365M, V32006M, V29438M, V22941M, V23133M, V23066M.
Identifiers: ClinVar variation 203019 (VCV000203019.43), dbSNP rs191786700, ClinGen allele CA310995.
Genomic context (GRCh38, chr2:178,544,213, plus strand): 5'-CAGGTGTGAGAAGAAAATAATTCACCTAAAAGCTTCTGTGATAAATACCTATTCTTTCCA[C>T]GGGCTCAATTTCAGCAATTGATTCGCTGTATTCGCTCATACCCTTCACGTTCACGGCAGC-3'
Protein context (NP_001254479.2, residues 31996-32016): YSESIAEIEP[Val32006Met]ERIEIPDLEL